The following is an entry in ClinVar:

NM_032119.4(ADGRV1):c.13434-2A>T

Gene: ADGRV1 (adhesion G protein-coupled receptor V1; plus strand). Cytogenetic location: 5q14.3.
Variant type: single nucleotide variant.
Coding change: c.13434-2A>T on transcript NM_032119.4 (MANE Select); the canonical splice acceptor site of the intron before coding-DNA position 13434, A replaced by T.
Molecular consequence: splice acceptor variant.
Genome position (GRCh38, 1-based): chr5:90,783,836, A>T. VCF-style: chr5-90783836-A-T. GRCh37 (hg19) VCF-style: chr5-90079653-A-T.
Identifiers: ClinVar variation 1929370 (VCV001929370.5), dbSNP rs746923719, ClinGen allele CA360394570.

ClinVar aggregate classification (germline): Likely pathogenic (1 of 4 stars; one submission).

gnomAD v4.1: 1 of 1,598,114 alleles (0.000063%); highest among the groups gnomAD compares: Non-Finnish European, 0.000085%; no homozygotes.

Submission:

Labcorp Genetics (formerly Invitae), Labcorp
Classification: Likely pathogenic. Last evaluated: 2024-01-17. Review status: criteria provided, single submitter. Criteria: Invitae Variant Classification Sherloc (09022015). Collection method: clinical testing. Allele origin: germline.
Comment: This sequence change affects an acceptor splice site in intron 66 of the ADGRV1 gene. It is expected to disrupt RNA splicing. Variants that disrupt the donor or acceptor splice site typically lead to a loss of protein function (PMID: 16199547), and loss-of-function variants in ADGRV1 are known to be pathogenic (PMID: 19357117, 22135276, 22147658, 26226137, 30718709, 31047384, 32467589). This variant is not present in population databases (gnomAD no frequency). Disruption of this splice site has been observed in individual(s) with clinical features of retinitis pigmentosa (PMID: 32037395; Invitae). ClinVar contains an entry for this variant (Variation ID: 1929370). Algorithms developed to predict the effect of sequence changes on RNA splicing suggest that this variant may disrupt the consensus splice site. In summary, the currently available evidence indicates that the variant is pathogenic, but additional data are needed to prove that conclusively. Therefore, this variant has been classified as Likely Pathogenic.

Literature cited by the submitters: PubMed 16199547; PubMed 19357117; PubMed 22135276; PubMed 22147658; PubMed 26226137; PubMed 30718709; PubMed 31047384; PubMed 32467589; PubMed 32037395.